The following is an entry in ClinVar:

ClinVar aggregate classification (germline): Benign/Likely benign. Review status: criteria provided, multiple submitters, no conflicts (2 of 4 stars). 3 submissions from 2 submitters: Benign (2); Likely benign (1). Last evaluated 2018-01-13.

Conditions:
Dilated cardiomyopathy 1R (CMD1R). Identifiers: Orphanet 154, Orphanet 54260, MedGen C3150681, MONDO:0013261, OMIM 613424.
Hypertrophic cardiomyopathy 11. Also called: ACTC1-Related Familial Hypertrophic Cardiomyopathy. Identifiers: MedGen C2677506, MONDO:0012799, OMIM 612098.

Allele frequency attached by ClinVar (database versions not stated): 1000 Genomes Project 30x 0.02092; gnomAD 0.01739 and 0.01644; TOPMed 0.01778; gnomAD exomes 0.00210; 1000 Genomes Project 0.02077.

Submissions (3):

Illumina Laboratory Services, Illumina
Classification: Likely benign for Dilated cardiomyopathy 1R. Last evaluated: 2018-01-13. Review status: criteria provided, single submitter. Criteria: ICSL Variant Classification Criteria 13 December 2019. Collection method: clinical testing. Allele origin: germline.
Comment: This variant was observed in the ICSL laboratory as part of a predisposition screen in an ostensibly healthy population. It had not been previously curated by ICSL or reported in the Human Gene Mutation Database (HGMD: prior to June 1st, 2018), and was therefore a candidate for classification through an automated scoring system. Utilizing variant allele frequency, disease prevalence and penetrance estimates, and inheritance mode, an automated score was calculated to assess if this variant is too frequent to cause the disease. Based on the score and internal cut-off values, a variant classified as likely benign is not then subjected to further curation. The score for this variant resulted in a classification of likely benign for this disease.

Illumina Laboratory Services, Illumina
Classification: Benign for Hypertrophic cardiomyopathy 11. Last evaluated: 2018-01-13. Review status: criteria provided, single submitter. Criteria: ICSL Variant Classification Criteria 13 December 2019. Collection method: clinical testing. Allele origin: germline.
Comment: This variant was observed in the ICSL laboratory as part of a predisposition screen in an ostensibly healthy population. It had not been previously curated by ICSL or reported in the Human Gene Mutation Database (HGMD: prior to June 1st, 2018), and was therefore a candidate for classification through an automated scoring system. Utilizing variant allele frequency, disease prevalence and penetrance estimates, and inheritance mode, an automated score was calculated to assess if this variant is too frequent to cause the disease. Based on the score and internal cut-off values, a variant classified as benign is not then subjected to further curation. The score for this variant resulted in a classification of benign for this disease.

GeneDx
Classification: Benign. Last evaluated: 2015-03-03. Review status: criteria provided, single submitter. Criteria: GeneDx Variant Classification Process June 2021. Collection method: clinical testing. Allele origin: germline. Affected: yes.

NM_005159.4(ACTC1):c.*269C>T

Genes: ACTC1 (actin alpha cardiac muscle 1; minus strand), GJD2-DT (GJD2 divergent transcript; plus strand). Cytogenetic location: 15q14.
Variant type: single nucleotide variant.
Coding change: c.*269C>T on transcript NM_005159.4; 269 bases downstream of the stop codon, C replaced by T.
Genome position (GRCh38, 1-based): chr15:34,790,143, G>A on the plus strand (C>T on the coding strand, the complement: ACTC1 is on the minus strand). VCF-style: chr15-34790143-G-A. GRCh37 (hg19) VCF-style: chr15-35082344-G-A.
Identifiers: ClinVar variation 315697 (VCV000315697.8), dbSNP rs74009720, ClinGen allele CA10645777.